The following is an entry in ClinVar:

ClinVar aggregate classification (germline): Uncertain significance. Review status: criteria provided, multiple submitters, no conflicts (2 of 4 stars). 2 submissions from 2 submitters: Uncertain significance (2). Last evaluated 2024-04-29.

Allele frequency attached by ClinVar (database versions not stated): ExAC 0.00003; gnomAD exomes 0.00003; TOPMed 0.00009; gnomAD 0.00011 and 0.00013.
gnomAD v4.1: 27 of 1,613,822 alleles (0.0017%); highest among the groups gnomAD compares: African/African-American, 0.035%; no homozygotes.

Submissions (2):

Labcorp Genetics (formerly Invitae), Labcorp
Classification: Uncertain significance. Last evaluated: 2024-04-29. Review status: criteria provided, single submitter. Criteria: Invitae Variant Classification Sherloc (09022015). Collection method: clinical testing. Allele origin: germline.
Comment: This sequence change replaces leucine, which is neutral and non-polar, with phenylalanine, which is neutral and non-polar, at codon 2155 of the MYO15A protein (p.Leu2155Phe). This variant is present in population databases (rs779026723, gnomAD 0.04%). This variant has not been reported in the literature in individuals affected with MYO15A-related conditions. ClinVar contains an entry for this variant (Variation ID: 1687646). Advanced modeling of protein sequence and biophysical properties (such as structural, functional, and spatial information, amino acid conservation, physicochemical variation, residue mobility, and thermodynamic stability) has been performed at Invitae for this missense variant, however the output from this modeling did not meet the statistical confidence thresholds required to predict the impact of this variant on MYO15A protein function. In summary, the available evidence is currently insufficient to determine the role of this variant in disease. Therefore, it has been classified as a Variant of Uncertain Significance.

GeneDx
Classification: Uncertain significance. Last evaluated: 2022-05-27. Review status: criteria provided, single submitter. Criteria: GeneDx Variant Classification Process June 2021. Collection method: clinical testing. Allele origin: germline. Affected: yes.
Comment: In silico analysis supports that this missense variant has a deleterious effect on protein structure/function; Has not been previously published as pathogenic or benign to our knowledge

NM_016239.4(MYO15A):c.6463C>T (p.Leu2155Phe)

Gene: MYO15A (myosin XVA; plus strand). Cytogenetic location: 17p11.2.
Variant type: single nucleotide variant.
Coding change: c.6463C>T on transcript NM_016239.4 (MANE Select); coding-DNA position 6463, C replaced by T.
Protein change: p.Leu2155Phe; replaces leucine 2155 with phenylalanine.
Molecular consequence: missense variant.
Genome position (GRCh38, 1-based): chr17:18,146,061, C>T. VCF-style: chr17-18146061-C-T. GRCh37 (hg19) VCF-style: chr17-18049375-C-T.
Other names: short protein forms L2155F.
Identifiers: ClinVar variation 1687646 (VCV001687646.4), dbSNP rs779026723, ClinGen allele CA8424592.